The following is an entry in ClinVar:

ClinVar aggregate classification (germline): Uncertain significance (1 of 4 stars; one submission).

Conditions:
Hypertrophic cardiomyopathy 25 (CMH25). Also called: CARDIOMYOPATHY, FAMILIAL HYPERTROPHIC, 25. Identifiers: MedGen C4225408, MONDO:0011843, OMIM 607487.
Primary familial hypertrophic cardiomyopathy (HCM). Identifiers: Orphanet 99739, MedGen C0949658, MeSH D024741, MONDO:0024573. Inheritance: Various modes of inheritance.

Submission:

Labcorp Genetics (formerly Invitae), Labcorp
Classification: Uncertain significance for Hypertrophic cardiomyopathy 25; Primary familial hypertrophic cardiomyopathy. Last evaluated: 2025-11-22. Review status: criteria provided, single submitter. Criteria: Invitae Variant Classification Sherloc (09022015). Collection method: clinical testing. Allele origin: germline.
Comment: This sequence change is expected to alter the c-terminus of the TCAP protein (p.Ala151Cysfs*58). While this is not anticipated to result in nonsense mediated decay, it is expected to disrupt the last 17 amino acid(s) of the TCAP protein and extend the protein by 40 additional amino acid residues. This variant is not present in population databases (gnomAD no frequency). This variant has not been reported in the literature in individuals affected with TCAP-related conditions. Experimental studies and prediction algorithms are not available or were not evaluated, and the functional significance of this variant is currently unknown. In summary, the available evidence is currently insufficient to determine the role of this variant in disease. Therefore, it has been classified as a Variant of Uncertain Significance.

NM_003673.4(TCAP):c.449dup (p.Ala151fs)

Gene: TCAP (titin-cap; plus strand). Cytogenetic location: 17q12.
Variant type: Duplication.
Coding change: c.449dup on transcript NM_003673.4 (MANE Select); coding-DNA position 449, one base duplicated (G; older notation c.449dupG).
Protein change: p.Ala151fs; shifts the reading frame from alanine 151.
Molecular consequence: frameshift variant.
Genome position (GRCh38, 1-based): chr17:39,666,054, G duplicated; the last of 2 consecutive G bases (chr17:39,666,053-39,666,054); duplicating either gives the same sequence. VCF-style (leftmost placement, unchanged base first): chr17-39666052-C-CG. GRCh37 (hg19) VCF-style: chr17-37822305-C-CG.
Other names: short protein forms A151fs.
Identifiers: ClinVar variation 4786769 (VCV004786769.1).